The following is an entry in ClinVar:

NM_004655.4(AXIN2):c.109C>G (p.Gln37Glu)

Gene: AXIN2 (axin 2; minus strand). Cytogenetic location: 17q24.1.
Variant type: single nucleotide variant.
Coding change: c.109C>G on transcript NM_004655.4 (MANE Select); coding-DNA position 109, C replaced by G.
Protein change: p.Gln37Glu; replaces glutamine 37 with glutamic acid.
Molecular consequence: missense variant.
Genome position (GRCh38, 1-based): chr17:65,558,512, G>C on the plus strand (C>G on the coding strand, the complement: AXIN2 is on the minus strand). VCF-style: chr17-65558512-G-C. GRCh37 (hg19) VCF-style: chr17-63554630-G-C.
Other names: c.109C>G, p.Gln37Glu (NM_001363813.1); c.109C>G (NM_004655.3); short protein forms Q37E.
Identifiers: ClinVar variation 1007929 (VCV001007929.12), dbSNP rs1555583747, ClinGen allele CA400682163.
Genomic context (GRCh38, chr17:65,558,512, plus strand): 5'-GCCTGGTGTTGGAAGAGACAGGCATGGGTTTGGTGACCTGGCCCTTGCCCACCCCTGGCT[G>C]ACACGGTGGGGTCTCCCCTTCTTCCCCTGGCACTGGGGGCCGCGGGGCATCCTCACGGAA-3'
Protein context (NP_004646.3, residues 27-47): PGEEGETPPC[Gln37Glu]PGVGKGQVTK

ClinVar aggregate classification (germline): Uncertain significance. Review status: criteria provided, multiple submitters, no conflicts (2 of 4 stars). 3 submissions from 3 submitters: Uncertain significance (3). Last evaluated 2025-11-30.

Conditions:
Hereditary cancer-predisposing syndrome. Also called: Tumor predisposition; Hereditary neoplastic syndrome; Neoplastic Syndromes, Hereditary; Hereditary Cancer Syndrome. Identifiers: Orphanet 140162, MedGen C0027672, MeSH D009386, MONDO:0015356.
Oligodontia-cancer predisposition syndrome. Also called: TOOTH AGENESIS-COLORECTAL CANCER SYNDROME. Identifiers: Orphanet 300576, MedGen C1837750, MONDO:0012075, OMIM 608615. Disease mechanism: loss of function.

Submissions (3):

Ambry Genetics
Classification: Uncertain significance for Hereditary cancer-predisposing syndrome. Last evaluated: 2025-11-30. Review status: criteria provided, single submitter. Criteria: Ambry Variant Classification Scheme 2023. Collection method: clinical testing. Allele origin: germline.
Comment: The p.Q37E variant (also known as c.109C>G), located in coding exon 1 of the AXIN2 gene, results from a C to G substitution at nucleotide position 109. The glutamine at codon 37 is replaced by glutamic acid, an amino acid with highly similar properties. This amino acid position is well conserved in available vertebrate species. In addition, this alteration is predicted to be tolerated by in silico analysis. Since supporting evidence is limited at this time, the clinical significance of this alteration remains unclear.

Quest Diagnostics Nichols Institute San Juan Capistrano
Classification: Uncertain significance. Last evaluated: 2025-05-28. Review status: criteria provided, single submitter. Criteria: Quest Diagnostics criteria. Collection method: clinical testing. Allele origin: unknown.
Comment: The AXIN2 c.109C>G (p.Gln37Glu) variant has not been reported in individuals with AXIN2-related conditions in the published literature. It also has not been reported in large, multi-ethnic general populations (Genome Aggregation Database). Analysis of this variant using bioinformatics tools for the prediction of the effect of amino acid changes on protein structure and function yielded predictions that this variant is benign. Based on the available information, we are unable to determine the clinical significance of this variant.

Labcorp Genetics (formerly Invitae), Labcorp
Classification: Uncertain significance for Oligodontia-cancer predisposition syndrome. Last evaluated: 2025-05-14. Review status: criteria provided, single submitter. Criteria: Invitae Variant Classification Sherloc (09022015). Collection method: clinical testing. Allele origin: germline.
Comment: This sequence change replaces glutamine, which is neutral and polar, with glutamic acid, which is acidic and polar, at codon 37 of the AXIN2 protein (p.Gln37Glu). This variant is not present in population databases (gnomAD no frequency). This variant has not been reported in the literature in individuals affected with AXIN2-related conditions. ClinVar contains an entry for this variant (Variation ID: 1007929). Invitae Evidence Modeling of protein sequence and biophysical properties (such as structural, functional, and spatial information, amino acid conservation, physicochemical variation, residue mobility, and thermodynamic stability) indicates that this missense variant is not expected to disrupt AXIN2 protein function with a negative predictive value of 80%. In summary, the available evidence is currently insufficient to determine the role of this variant in disease. Therefore, it has been classified as a Variant of Uncertain Significance.